The following is an entry in ClinVar:

ClinVar aggregate classification (germline): Uncertain significance. Review status: criteria provided, multiple submitters, no conflicts (2 of 4 stars). 8 submissions from 8 submitters: Uncertain significance (8). Last evaluated 2026-09-24.

Conditions:
Aortic aneurysm, familial thoracic 4 (AAT4). Also called: AORTIC ANEURYSM/AORTIC DISSECTION AND PATENT DUCTUS ARTERIOSUS. Identifiers: MedGen C1851504, MONDO:0007568, OMIM 132900.
Visceral myopathy 2. Identifiers: MedGen C5543466, MONDO:0859157, OMIM 619350.
Megacystis-microcolon-intestinal hypoperistalsis syndrome 2. Identifiers: MedGen C5543476, MONDO:0025708, OMIM 619351.
Familial thoracic aortic aneurysm and aortic dissection (TAAD). Also called: Thoracic aortic aneurysms and dissections. Identifiers: Orphanet 91387, MedGen C4707243, MONDO:0019625.

Allele frequency attached by ClinVar (database versions not stated): gnomAD 0.00002 and 0.00003; TOPMed 0.00005; ExAC 0.00002.
gnomAD v4.1: 102 of 1,612,842 alleles (0.0063%); highest among the groups gnomAD compares: Non-Finnish European, 0.0074%; no homozygotes.

Submissions (8):

GeneDx
Classification: Uncertain significance. Last evaluated: 2026-09-24. Review status: criteria provided, single submitter. Criteria: GeneDx Variant Classification Process June 2021. Collection method: clinical testing. Allele origin: germline.
Comment: Has been reported in an individual with familial TAAD, who also harbored variants in the SMAD4 and TGFBR1 genes (PMID: 30809044); In silico analysis suggests that this missense variant does not alter protein structure/function; In silico analysis suggests this variant may impact gene splicing. In the absence of RNA/functional studies, the actual effect of this sequence change is unknown.; This variant is associated with the following publications: (PMID: 30809044)

Labcorp Genetics (formerly Invitae), Labcorp
Classification: Uncertain significance for Aortic aneurysm, familial thoracic 4. Last evaluated: 2026-01-20. Review status: criteria provided, single submitter. Criteria: Invitae Variant Classification Sherloc (09022015). Collection method: clinical testing. Allele origin: germline.
Comment: This sequence change replaces alanine, which is neutral and non-polar, with valine, which is neutral and non-polar, at codon 1101 of the MYH11 protein (p.Ala1101Val). This variant is present in population databases (rs534384552, gnomAD 0.008%). This missense change has been observed in individual(s) with thoracic aortic aneurysm and dissection (PMID: 30809044). This variant is also known as p.Ala1094Val. ClinVar contains an entry for this variant (Variation ID: 201060). Invitae Evidence Modeling of protein sequence and biophysical properties (such as structural, functional, and spatial information, amino acid conservation, physicochemical variation, residue mobility, and thermodynamic stability) indicates that this missense variant is not expected to disrupt MYH11 protein function with a negative predictive value of 95%. In summary, the available evidence is currently insufficient to determine the role of this variant in disease. Therefore, it has been classified as a Variant of Uncertain Significance.

Color Diagnostics, LLC DBA Color Health
Classification: Uncertain significance for Familial thoracic aortic aneurysm and aortic dissection. Last evaluated: 2024-03-06. Review status: criteria provided, single submitter. Criteria: ACMG Guidelines, 2015. Collection method: clinical testing. Allele origin: germline.
Comment: This missense variant replaces alanine with valine at codon 1101 of the MYH11 protein. Computational prediction tools indicate that this variant has a neutral impact on protein structure and function. To our knowledge, functional studies have not been reported for this variant. This variant has not been reported in individuals affected with MYH11-related disorders in the literature. This variant has been identified in 9/282064 chromosomes in the general population by the Genome Aggregation Database (gnomAD). The available evidence is insufficient to determine the role of this variant in disease conclusively. Therefore, this variant is classified as a Variant of Uncertain Significance.

Victorian Clinical Genetics Services, Murdoch Childrens Research Institute
Classification: Uncertain significance for Aortic aneurysm, familial thoracic 4. Last evaluated: 2022-02-02. Review status: criteria provided, single submitter. Criteria: ACMG Guidelines, 2015. Collection method: clinical testing. Allele origin: germline. Inheritance: Autosomal dominant inheritance. Affected: yes.
Comment: Based on the classification scheme VCGS_Germline_v1.3.4, this variant is classified as VUS-3C. Following criteria are met: 0102 - Loss of function is a known mechanism of disease in this gene and is associated with megacystis-microcolon-intestinal-hypoperistalsis syndrome (MMIHS). The disease mechanism for chronic intestinal pseudo-obstruction (CIPO) and familial thoracic aortic aneurysm 4 (MIM#132900) is unclear however loss of function and dominant negative have been suggested respectively (PMID: 31944481). (I) 0108 - This gene is associated with both recessive and dominant disease. MMIHS is autosomal recessive caused by both missense and null variants. Familial thoracic aortic aneurysm 4 is autosomal dominant and has been reported in patients with splice, missense and inframe deletion variants. CIPO is autosomal dominant and has only been reported in patients with protein elongation variants exclusive to isoform SM2 (PMIDs: 31389005, 31944481). (I) 0200 - Variant is predicted to result in a missense amino acid change from alanine to valine. (I) 0251 - This variant is heterozygous. (I) 0304 - Variant is present in gnomAD <0.01 (v2: 9 heterozygotes, 0 homozygotes). (SP) 0309 - An alternative amino acid change at the same position has been observed in gnomAD (v3: 1 heterozygote, 0 homozygotes). (I) 0504 - Same amino acid change has been observed in placental mammals. (SB) 0600 - Variant is located in the annotated myosin tail (Decipher, NCBI). (I) 0710 - Another missense variant comparable to the one identified in this case has inconclusive previous evidence for pathogenicity. p.Ala1094Thr has been classified as a VUS by a diagnostic laboratory in ClinVar. (I) 0809 - Previous evidence of pathogenicity for this variant is inconclusive. It has been identified in a patient with thoracic aortic disease along with another variant in SMAD4 (PMID: 30809044). Both variants have been classified multiple times as a VUS by diagnostic laboratories in ClinVar. (I) 0905 - No published segregation evidence has been identified for this variant. (I) 1007 - No published functional evidence has been identified for this variant. (I) 1208 - Inheritance information for this variant is not currently available in this individual. (I) Legend: (SP) - Supporting pathogenic, (I) - Information, (SB) - Supporting benign

Fulgent Genetics
Classification: Uncertain significance for Aortic aneurysm, familial thoracic 4; Visceral myopathy 2; Megacystis-microcolon-intestinal hypoperistalsis syndrome 2. Last evaluated: 2021-10-07. Review status: criteria provided, single submitter. Criteria: ACMG Guidelines, 2015. Collection method: clinical testing. Allele origin: unknown.

CHEO Genetics Diagnostic Laboratory, Children's Hospital of Eastern Ontario
Classification: Uncertain significance for Familial thoracic aortic aneurysm and aortic dissection. Last evaluated: 2020-01-27. Review status: criteria provided, single submitter. Criteria: ACMG Guidelines, 2015. Collection method: clinical testing. Allele origin: germline.

ARUP Laboratories, Molecular Genetics and Genomics, ARUP Laboratories
Classification: Uncertain significance for Aortic aneurysm, familial thoracic 4. Last evaluated: 2018-10-24. Review status: criteria provided, single submitter. Criteria: ARUP Molecular Germline Variant Investigation Process. Collection method: clinical testing. Allele origin: germline.
Comment: The MYH11 c.3281C>T; p.Ala1094Val variant (rs534384552), to our knowledge, is not reported in the medical literature but is reported in ClinVar (Variation ID: 201060). This variant is found on nine chromosomes in the Genome Aggregation Database, indicating it is not a common polymorphism. The alanine at codon 1094 is highly conserved, but computational analyses (SIFT, PolyPhen-2) predict that this variant is tolerated. Due to limited information, the clinical significance of the p.Ala1094Val variant is uncertain at this time.

Illumina Laboratory Services, Illumina
Classification: Uncertain significance for Aortic aneurysm, familial thoracic 4. Last evaluated: 2018-01-12. Review status: criteria provided, single submitter. Criteria: ICSL Variant Classification Criteria 13 December 2019. Collection method: clinical testing. Allele origin: germline.

Literature cited by the submitters: PubMed 30809044 (cited by Labcorp Genetics (formerly Invitae), Labcorp and Victorian Clinical Genetics Services, Murdoch Childrens Research Institute); PubMed 31389005 (cited by Victorian Clinical Genetics Services, Murdoch Childrens Research Institute); PubMed 31944481 (cited by Victorian Clinical Genetics Services, Murdoch Childrens Research Institute).

NM_002474.3(MYH11):c.3281C>T (p.Ala1094Val)

Gene: MYH11 (myosin heavy chain 11; minus strand). Cytogenetic location: 16p13.11.
Variant type: single nucleotide variant.
Coding change: c.3281C>T on transcript NM_002474.3 (MANE Select); coding-DNA position 3281, C replaced by T.
Protein change: p.Ala1094Val; replaces alanine 1094 with valine.
Molecular consequence: missense variant.
Genome position (GRCh38, 1-based): chr16:15,737,461, G>A on the plus strand (C>T on the coding strand, the complement: MYH11 is on the minus strand). VCF-style: chr16-15737461-G-A. GRCh37 (hg19) VCF-style: chr16-15831318-G-A.
Other names: p.A1094V:GCG>GTG; c.3302C>T, p.Ala1101Val (NM_001040113.2, NM_001040114.2); c.3281C>T, p.Ala1094Val (NM_022844.3); short protein forms A1094V, A1101V.
Identifiers: ClinVar variation 201060 (VCV000201060.31), dbSNP rs534384552, ClinGen allele CA306522.